The following is an entry in ClinVar:

ClinVar aggregate classification (germline): Uncertain significance. Review status: criteria provided, multiple submitters, no conflicts (2 of 4 stars). 2 submissions from 2 submitters: Uncertain significance (2). Last evaluated 2026-01-17.

Conditions:
Cardiovascular phenotype. Identifiers: MedGen CN230736.
Long QT syndrome (LQTS). Identifiers: MedGen C0023976, MeSH D008133, MONDO:0002442. Disease mechanism: loss of function. Inheritance: Various modes of inheritance.

Allele frequency attached by ClinVar (database versions not stated): gnomAD exomes 0.00001.
gnomAD v4.1: 3 of 1,609,344 alleles (0.00019%); highest among the groups gnomAD compares: Non-Finnish European, 0.00025%; no homozygotes.

Submissions (2):

Ambry Genetics
Classification: Uncertain significance for Cardiovascular phenotype. Last evaluated: 2026-01-17. Review status: criteria provided, single submitter. Criteria: Ambry Variant Classification Scheme 2023. Collection method: clinical testing. Allele origin: germline.
Comment: The p.A3007G variant (also known as c.9020C>G), located in coding exon 36 of the AKAP9 gene, results from a C to G substitution at nucleotide position 9020. The alanine at codon 3007 is replaced by glycine, an amino acid with similar properties. This amino acid position is conserved. In addition, this alteration is predicted to be tolerated by in silico analysis. Based on the available evidence, the clinical significance of this variant remains unclear.

Labcorp Genetics (formerly Invitae), Labcorp
Classification: Uncertain significance for Long QT syndrome. Last evaluated: 2023-07-09. Review status: criteria provided, single submitter. Criteria: Invitae Variant Classification Sherloc (09022015). Collection method: clinical testing. Allele origin: germline.
Comment: This variant has not been reported in the literature in individuals affected with AKAP9-related conditions. This variant is not present in population databases (gnomAD no frequency). This sequence change replaces alanine, which is neutral and non-polar, with glycine, which is neutral and non-polar, at codon 3007 of the AKAP9 protein (p.Ala3007Gly). In summary, the available evidence is currently insufficient to determine the role of this variant in disease. Therefore, it has been classified as a Variant of Uncertain Significance. An algorithm developed to predict the effect of missense changes on protein structure and function (PolyPhen-2) suggests that this variant is likely to be tolerated.

NM_005751.5(AKAP9):c.9020C>G (p.Ala3007Gly)

Gene: AKAP9 (A-kinase anchoring protein 9; plus strand). Cytogenetic location: 7q21.2.
Variant type: single nucleotide variant.
Coding change: c.9020C>G on transcript NM_005751.5 (MANE Select); coding-DNA position 9020, C replaced by G.
Protein change: p.Ala3007Gly; replaces alanine 3007 with glycine.
Molecular consequence: missense variant.
Genome position (GRCh38, 1-based): chr7:92,085,682, C>G. VCF-style: chr7-92085682-C-G. GRCh37 (hg19) VCF-style: chr7-91714996-C-G.
Other names: c.3665C>G, p.Ala1222Gly (NM_001379277.1); c.8996C>G, p.Ala2999Gly (NM_147185.3); short protein forms A2999G, A1222G, A3007G.
Identifiers: ClinVar variation 2891796 (VCV002891796.4), dbSNP rs2535267019, ClinGen allele CA368143224.